The following is an entry in ClinVar:

NM_025099.6(CTC1):c.14G>A (p.Arg5Gln)

Genes: CTC1 (CST telomere replication complex component 1; minus strand), PFAS (phosphoribosylformylglycinamidine synthase; plus strand). Cytogenetic location: 17p13.1.
Variant type: single nucleotide variant.
Coding change: c.14G>A on transcript NM_025099.6 (MANE Select); coding-DNA position 14, G replaced by A.
Protein change: p.Arg5Gln; replaces arginine 5 with glutamine.
Molecular consequence: missense variant. On other transcripts: non-coding transcript variant (1).
Genome position (GRCh38, 1-based): chr17:8,248,023, C>T on the plus strand (G>A on the coding strand, the complement: CTC1 is on the minus strand). VCF-style: chr17-8248023-C-T. GRCh37 (hg19) VCF-style: chr17-8151341-C-T.
Other names: short protein forms R5Q.
Identifiers: ClinVar variation 1372467 (VCV001372467.4), dbSNP rs1449419140, ClinGen allele CA397999609.

ClinVar aggregate classification (germline): Uncertain significance. Review status: criteria provided, multiple submitters, no conflicts (2 of 4 stars). 2 submissions from 2 submitters: Uncertain significance (2). Last evaluated 2021-09-01.

Conditions:
Cerebroretinal microangiopathy with calcifications and cysts 1 (CRMCC1). Identifiers: Orphanet 313838, MedGen C4552029, MONDO:0024564, OMIM 612199.
Dyskeratosis congenita. Identifiers: Orphanet 1775, MedGen C0265965, MONDO:0015780.

Submissions (2):

Labcorp Genetics (formerly Invitae), Labcorp
Classification: Uncertain significance for Dyskeratosis congenita. Last evaluated: 2021-09-01. Review status: criteria provided, single submitter. Criteria: Invitae Variant Classification Sherloc (09022015). Collection method: clinical testing. Allele origin: germline.
Comment: This sequence change replaces arginine with glutamine at codon 5 of the CTC1 protein (p.Arg5Gln). The arginine residue is weakly conserved and there is a small physicochemical difference between arginine and glutamine. This variant is not present in population databases (ExAC no frequency). This variant has not been reported in the literature in individuals affected with CTC1-related conditions. Algorithms developed to predict the effect of missense changes on protein structure and function output the following: SIFT: "Tolerated"; PolyPhen-2: "Benign"; Align-GVGD: "Class C0". The glutamine amino acid residue is found in multiple mammalian species, which suggests that this missense change does not adversely affect protein function. Algorithms developed to predict the effect of sequence changes on RNA splicing suggest that this variant may create or strengthen a splice site. In summary, the available evidence is currently insufficient to determine the role of this variant in disease. Therefore, it has been classified as a Variant of Uncertain Significance.

Neuberg Centre For Genomic Medicine, NCGM
Classification: Uncertain significance for Cerebroretinal microangiopathy with calcifications and cysts 1. Review status: criteria provided, single submitter. Criteria: ACMG Guidelines, 2015. Collection method: clinical testing. Allele origin: germline. Inheritance: Autosomal recessive inheritance. Affected: yes.
Comment: The missense variant in c.14G>A (p.Arg5Gln) in CTC1 gene has not been reported previously as a pathogenic variant nor as a benign variant, to our knowledge. The p.Arg5Gln variant is novel (not in any individuals) in 1000 Genomes. This variant has not been reported to the ClinVar database. The amino acid Arg at position 5 is changed to a Gln changing protein sequence and it might alter its composition and physico-chemical properties. For these reasons, this variant has been classified as Uncertain Significance (VUS).